The following is an entry in ClinVar:

ClinVar aggregate classification (germline): Uncertain significance. Review status: criteria provided, multiple submitters, no conflicts (2 of 4 stars). 2 submissions from 2 submitters: Uncertain significance (2). Last evaluated 2019-08-27.

Conditions:
Neuropathy, hereditary sensory and autonomic, type 1C. Also called: HSAN IC; HSN IC. Identifiers: Orphanet 36386, MedGen C3150896, MONDO:0013337, OMIM 613640.

Submissions (2):

GeneDx
Classification: Uncertain significance. Last evaluated: 2019-08-27. Review status: criteria provided, single submitter. Criteria: GeneDx Variant Classification Process June 2021. Collection method: clinical testing. Allele origin: germline. Affected: yes.
Comment: Not observed in large population cohorts (Lek et al., 2016); In silico analysis, which includes protein predictors and evolutionary conservation, supports that this variant does not alter protein structure/function; Has not been previously published as pathogenic or benign to our knowledge

Labcorp Genetics (formerly Invitae), Labcorp
Classification: Uncertain significance for Neuropathy, hereditary sensory and autonomic, type 1C. Last evaluated: 2018-08-20. Review status: criteria provided, single submitter. Criteria: Invitae Variant Classification Sherloc (09022015). Collection method: clinical testing. Allele origin: germline.
Comment: This sequence change replaces isoleucine with methionine at codon 45 of the SPTLC2 protein (p.Ile45Met). The isoleucine residue is weakly conserved and there is a small physicochemical difference between isoleucine and methionine. This variant is not present in population databases (ExAC no frequency). This variant has not been reported in the literature in individuals with SPTLC2-related disease. Algorithms developed to predict the effect of missense changes on protein structure and function (SIFT, PolyPhen-2, Align-GVGD) all suggest that this variant is likely to be tolerated, but these predictions have not been confirmed by published functional studies and their clinical significance is uncertain. In summary, the available evidence is currently insufficient to determine the role of this variant in disease. Therefore, it has been classified as a Variant of Uncertain Significance.

NM_004863.4(SPTLC2):c.135C>G (p.Ile45Met)

Gene: SPTLC2 (serine palmitoyltransferase long chain base subunit 2; minus strand). Cytogenetic location: 14q24.3.
Variant type: single nucleotide variant.
Coding change: c.135C>G on transcript NM_004863.4 (MANE Select); coding-DNA position 135, C replaced by G.
Protein change: p.Ile45Met; replaces isoleucine 45 with methionine.
Molecular consequence: missense variant.
Genome position (GRCh38, 1-based): chr14:77,597,378, G>C on the plus strand (C>G on the coding strand, the complement: SPTLC2 is on the minus strand). VCF-style: chr14-77597378-G-C. GRCh37 (hg19) VCF-style: chr14-78063721-G-C.
Other names: short protein forms I45M.
Identifiers: ClinVar variation 659733 (VCV000659733.10), dbSNP rs1595013409, ClinGen allele CA390706948.